The following is an entry in ClinVar:

ClinVar aggregate classification (germline): Uncertain significance (1 of 4 stars; one submission).

Conditions:
Epileptic encephalopathy. Identifiers: MedGen C0543888, HP:0200134.

Submission:

Labcorp Genetics (formerly Invitae), Labcorp
Classification: Uncertain significance for Epileptic encephalopathy. Last evaluated: 2020-12-09. Review status: criteria provided, single submitter. Criteria: Invitae Variant Classification Sherloc (09022015). Collection method: clinical testing. Allele origin: germline.
Comment: In summary, the available evidence is currently insufficient to determine the role of this variant in disease. Therefore, it has been classified as a Variant of Uncertain Significance. Algorithms developed to predict the effect of missense changes on protein structure and function (SIFT, PolyPhen-2, Align-GVGD) all suggest that this variant is likely to be tolerated, but these predictions have not been confirmed by published functional studies and their clinical significance is uncertain. This variant has not been reported in the literature in individuals with FASN-related conditions. This variant is not present in population databases (ExAC no frequency). This sequence change replaces lysine with asparagine at codon 699 of the FASN protein (p.Lys699Asn). The lysine residue is moderately conserved and there is a moderate physicochemical difference between lysine and asparagine.

NM_004104.5(FASN):c.2097G>C (p.Lys699Asn)

Gene: FASN (fatty acid synthase; minus strand). Cytogenetic location: 17q25.3.
Variant type: single nucleotide variant.
Coding change: c.2097G>C on transcript NM_004104.5 (MANE Select); coding-DNA position 2097, G replaced by C.
Protein change: p.Lys699Asn; replaces lysine 699 with asparagine.
Molecular consequence: missense variant.
Genome position (GRCh38, 1-based): chr17:82,089,253, C>G on the plus strand (G>C on the coding strand, the complement: FASN is on the minus strand). VCF-style: chr17-82089253-C-G. GRCh37 (hg19) VCF-style: chr17-80047129-C-G.
Other names: short protein forms K699N.
Identifiers: ClinVar variation 1351247 (VCV001351247.8), dbSNP rs2144798745, ClinGen allele CA401558693.